The following is an entry in ClinVar:

ClinVar aggregate classification (germline): Uncertain significance (1 of 4 stars; one submission).

gnomAD v4.1: 2 of 1,614,124 alleles (0.00012%); highest among the groups gnomAD compares: Non-Finnish European, 0.00017%; no homozygotes.

Submission:

Labcorp Genetics (formerly Invitae), Labcorp
Classification: Uncertain significance. Last evaluated: 2024-07-27. Review status: criteria provided, single submitter. Criteria: Invitae Variant Classification Sherloc (09022015). Collection method: clinical testing. Allele origin: germline.
Comment: This sequence change replaces lysine, which is basic and polar, with arginine, which is basic and polar, at codon 218 of the CFI protein (p.Lys218Arg). This variant is not present in population databases (gnomAD no frequency). This variant has not been reported in the literature in individuals affected with CFI-related conditions. Advanced modeling of protein sequence and biophysical properties (such as structural, functional, and spatial information, amino acid conservation, physicochemical variation, residue mobility, and thermodynamic stability) performed at Invitae indicates that this missense variant is not expected to disrupt CFI protein function with a negative predictive value of 80%. In summary, the available evidence is currently insufficient to determine the role of this variant in disease. Therefore, it has been classified as a Variant of Uncertain Significance.

NM_000204.5(CFI):c.653A>G (p.Lys218Arg)

Gene: CFI (complement factor I; minus strand). Cytogenetic location: 4q25.
Variant type: single nucleotide variant.
Coding change: c.653A>G on transcript NM_000204.5 (MANE Select); coding-DNA position 653, A replaced by G.
Protein change: p.Lys218Arg; replaces lysine 218 with arginine.
Molecular consequence: missense variant. On other transcripts: non-coding transcript variant (3).
Genome position (GRCh38, 1-based): chr4:109,761,522, T>C on the plus strand (A>G on the coding strand, the complement: CFI is on the minus strand). VCF-style: chr4-109761522-T-C. GRCh37 (hg19) VCF-style: chr4-110682678-T-C.
Other names: c.653A>G, p.Lys218Arg (NM_001318057.2, NM_001331035.2, NM_001375278.1 and 5 more transcripts); c.44A>G, p.Lys15Arg (NM_001375284.1); short protein forms K218R, K15R.
Identifiers: ClinVar variation 3693090 (VCV003693090.2).